The following is an entry in ClinVar:

NM_138711.6(PPARG):c.1210A>G (p.Ile404Val)

Gene: PPARG (peroxisome proliferator activated receptor gamma; plus strand). Cytogenetic location: 3p25.2.
Variant type: single nucleotide variant.
Coding change: c.1210A>G on transcript NM_138711.6 (MANE Select); coding-DNA position 1210, A replaced by G.
Protein change: p.Ile404Val; replaces isoleucine 404 with valine.
Molecular consequence: missense variant. On other transcripts: 3 prime UTR variant (4).
Genome position (GRCh38, 1-based): chr3:12,433,927, A>G. VCF-style: chr3-12433927-A-G. GRCh37 (hg19) VCF-style: chr3-12475426-A-G.
Other names: c.*12A>G (NM_001330615.4, NM_001374261.3, NM_001374262.3 and 1 more transcripts); c.1210A>G, p.Ile404Val (NM_001354666.3, NM_001354667.3, NM_001374263.2 and 3 more transcripts); c.583A>G, p.Ile195Val (NM_001354669.2); c.683A>G, p.His228Arg (NM_001374266.1); c.1300A>G, p.Ile434Val (NM_015869.5); short protein forms I195V, I434V, I404V, H228R.
Identifiers: ClinVar variation 4977490 (VCV004977490.1).
Genomic context (GRCh38, chr3:12,433,927, plus strand): 5'-CCTGTTGTGTTTTCCATATGTGCTTCCCCAGACCGCCCAGGTTTGCTGAATGTGAAGCCC[A>G]TTGAAGACATTCAAGACAACCTGCTACAAGCCCTGGAGCTCCAGCTGAAGCTGAACCACC-3'
Protein context (NP_619725.3, residues 394-414): DRPGLLNVKP[Ile404Val]EDIQDNLLQA

ClinVar aggregate classification (germline): Uncertain significance (1 of 4 stars; one submission).

Conditions:
PPARG-related disorder. Also called: PPARG-related condition; PPARG-related disorders.

gnomAD v4.1: 29 of 1,614,136 alleles (0.0018%); highest among the groups gnomAD compares: Non-Finnish European, 0.0024%; no homozygotes.

Submission:

PreventionGenetics, part of Exact Sciences
Classification: Uncertain significance for PPARG-related condition. Last evaluated: 2025-09-02. Review status: criteria provided, single submitter. Criteria: ACMG Guidelines, 2015. Collection method: clinical testing. Allele origin: germline.
Comment: The PPARG c.1300A>G variant is predicted to result in the amino acid substitution p.Ile434Val. This variant was reported in an individual with hypertriglyceridaemia (reported as c.1216A>G in Deshotels et al. 2022. PubMed ID: 36325899). This variant is reported in 0.0026% of alleles in individuals of European (Non-Finnish) descent in gnomAD. At this time, the clinical significance of this variant is uncertain due to the absence of conclusive functional and genetic evidence.